The following is an entry in ClinVar:

ClinVar aggregate classification (germline): Likely pathogenic (1 of 4 stars; one submission).

Conditions:
Pelizaeus-Merzbacher disease. Also called: LEUKODYSTROPHY, HYPOMYELINATING, 1; Sudanophilic leukodystrophy; Pelizaeus-Merzbacher spectrum disorder; Pelizaeus-Merzbacher Disease (PMD); Pelizeaus-Merzbacher spectrum disorder. Identifiers: Orphanet 702, MedGen C0205711, MONDO:0010714, OMIM 312080, HP:0003269.

Submission:

Molecular Diagnostics Lab, Nemours Children's Health, Delaware
Classification: Likely pathogenic for Pelizaeus-Merzbacher disease. Last evaluated: 2022-01-28. Review status: criteria provided, single submitter. Criteria: ACMG Guidelines, 2015. Collection method: clinical testing. Allele origin: unknown. Inheritance: X-linked inheritance. Affected: yes. Observed: 1 hemizygote.
Comment: This missense variant (c.730T>G, p.Phe244Val) has not been observed in population databases (gnomAD). It has not been described in the literature. Variant prediction programs support a deleterious effect on the protein, but functional studies have not been reported.

NM_000533.5(PLP1):c.730T>G (p.Phe244Val)

Genes: PLP1 (proteolipid protein 1; plus strand), RAB9B (RAB9B, member RAS oncogene family; minus strand). Cytogenetic location: Xq22.2.
Variant type: single nucleotide variant.
Coding change: c.730T>G on transcript NM_000533.5 (MANE Select); coding-DNA position 730, T replaced by G.
Protein change: p.Phe244Val; replaces phenylalanine 244 with valine.
Molecular consequence: missense variant.
Genome position (GRCh38, 1-based): chrX:103,789,366, T>G. VCF-style: chrX-103789366-T-G. GRCh37 (hg19) VCF-style: chrX-103044295-T-G.
Other names: c.730T>G, p.Phe244Val (NM_001128834.3); c.565T>G, p.Phe189Val (NM_001305004.1); c.625T>G, p.Phe209Val (NM_199478.3); short protein forms F189V, F209V, F244V.
Identifiers: ClinVar variation 3255453 (VCV003255453.2), dbSNP rs1183400865.